The following is an entry in ClinVar:

NM_020745.4(AARS2):c.2783A>G (p.Gln928Arg)

Gene: AARS2 (alanyl-tRNA synthetase 2, mitochondrial; minus strand). Cytogenetic location: 6p21.1.
Variant type: single nucleotide variant.
Coding change: c.2783A>G on transcript NM_020745.4 (MANE Select); coding-DNA position 2783, A replaced by G.
Protein change: p.Gln928Arg; replaces glutamine 928 with arginine.
Molecular consequence: missense variant.
Genome position (GRCh38, 1-based): chr6:44,301,166, T>C on the plus strand (A>G on the coding strand, the complement: AARS2 is on the minus strand). VCF-style: chr6-44301166-T-C. GRCh37 (hg19) VCF-style: chr6-44268903-T-C.
Other names: short protein forms Q928R.
Identifiers: ClinVar variation 2227681 (VCV002227681.2), dbSNP rs1292095604, ClinGen allele CA364335761.

ClinVar aggregate classification (germline): Uncertain significance (1 of 4 stars; one submission).

Conditions:
Inborn genetic diseases. Identifiers: MedGen C0950123, MeSH D030342.

Allele frequency attached by ClinVar (database versions not stated): gnomAD exomes below 0.00001; gnomAD 0.00001; TOPMed 0.00001.
gnomAD v4.1: 3 of 1,613,242 alleles (0.00019%); highest among the groups gnomAD compares: African/African-American, 0.004%; no homozygotes.

Submission:

Ambry Genetics
Classification: Uncertain significance for Inborn genetic diseases. Last evaluated: 2020-10-21. Review status: criteria provided, single submitter. Criteria: Ambry Variant Classification Scheme 2023. Collection method: clinical testing. Allele origin: germline.
Comment: The c.2783A>G (p.Q928R) alteration is located in exon 21 (coding exon 21) of the AARS2 gene. This alteration results from an A to G substitution at nucleotide position 2783, causing the glutamine (Q) at amino acid position 928 to be replaced by an arginine (R). Based on data from the Genome Aggregation Database (gnomAD), the AARS2 c.2783A>G alteration was not observed, with coverage at this position. This amino acid position is well conserved in available vertebrate species. The p.Q928R alteration is predicted to be tolerated by in silico analysis. Based on insufficient or conflicting evidence, the clinical significance of this alteration remains unclear.